The following is an entry in ClinVar:

NM_004715.5(CTDP1):c.677G>A (p.Arg226His)

Gene: CTDP1 (CTD phosphatase 1; plus strand). Cytogenetic location: 18q23.
Variant type: single nucleotide variant.
Coding change: c.677G>A on transcript NM_004715.5 (MANE Select); coding-DNA position 677, G replaced by A.
Protein change: p.Arg226His; replaces arginine 226 with histidine.
Molecular consequence: missense variant.
Genome position (GRCh38, 1-based): chr18:79,704,822, G>A. VCF-style: chr18-79704822-G-A. GRCh37 (hg19) VCF-style: chr18-77464822-G-A.
Other names: c.320G>A, p.Arg107His (NM_001202504.1); c.677G>A, p.Arg226His (NM_001318511.2, NM_048368.4); short protein forms R107H, R226H.
Identifiers: ClinVar variation 4857430 (VCV004857430.2).
Genomic context (GRCh38, chr18:79,704,822, plus strand): 5'-TTTAGGGCATCTTTCACTTCCAGCTGGGCCGGGGTGAGCCCATGCTGCACACGCGCCTGC[G>A]TCCACACTGCAAGGACTTCCTGGAGAAGATCGCCAAGCTGTACGAGCTGCACGTCTTCAC-3'
Protein context (NP_004706.3, residues 216-236): RGEPMLHTRL[Arg226His]PHCKDFLEKI

ClinVar aggregate classification (germline): Uncertain significance (1 of 4 stars; one submission).

Conditions:
Congenital cataracts-facial dysmorphism-neuropathy syndrome (CCFDN). Also called: CTDP1-Related Congenital Cataracts, Facial Dysmorphism, and Neuropathy; CATARACT, CONGENITAL, WITH FACIAL DYSMORPHISM AND NEUROPATHY. Identifiers: Orphanet 48431, MedGen C1858726, MONDO:0011402, OMIM 604168.

gnomAD v4.1: 2 of 1,613,994 alleles (0.00012%); highest among the groups gnomAD compares: South Asian, 0.0011%; no homozygotes.

Submission:

Institute of Human Genetics, University of Leipzig Medical Center
Classification: Uncertain significance for Congenital cataracts-facial dysmorphism-neuropathy syndrome. Last evaluated: 2026-04-13. Review status: criteria provided, single submitter. Criteria: ACMG Guidelines, 2015. Collection method: clinical testing. Allele origin: maternal. Inheritance: Autosomal recessive inheritance. Affected: yes.
Comment: Criteria applied: PM2,PM3